The following is an entry in ClinVar:

ClinVar aggregate classification (germline): Uncertain significance (1 of 4 stars; one submission).

Allele frequency attached by ClinVar (database versions not stated): TOPMed below 0.00001.
gnomAD v4.1: 7 of 1,613,892 alleles (0.00043%); highest among the groups gnomAD compares: Non-Finnish European, 0.00059%; no homozygotes.

Submission:

Ambry Genetics
Classification: Uncertain significance. Last evaluated: 2024-04-29. Review status: criteria provided, single submitter. Criteria: Ambry Variant Classification Scheme 2023. Collection method: clinical testing. Allele origin: germline.
Comment: The p.E28D variant (also known as c.84G>T), located in coding exon 1 of the EGLN2 gene, results from a G to T substitution at nucleotide position 84. The glutamic acid at codon 28 is replaced by aspartic acid, an amino acid with highly similar properties. This amino acid position is conserved. In addition, this alteration is predicted to be tolerated by in silico analysis. Since supporting evidence is limited at this time, the clinical significance of this alteration remains unclear.

NM_080732.4(EGLN2):c.84G>T (p.Glu28Asp)

Genes: EGLN2 (egl-9 family hypoxia inducible factor 2; plus strand), RAB4B-EGLN2 (RAB4B-EGLN2 readthrough (NMD candidate); plus strand). Cytogenetic location: 19q13.2.
Variant type: single nucleotide variant.
Coding change: c.84G>T on transcript NM_080732.4 (MANE Select); coding-DNA position 84, G replaced by T.
Protein change: p.Glu28Asp; replaces glutamic acid 28 with aspartic acid.
Molecular consequence: missense variant. On other transcripts: non-coding transcript variant (1).
Genome position (GRCh38, 1-based): chr19:40,800,656, G>T. VCF-style: chr19-40800656-G-T. GRCh37 (hg19) VCF-style: chr19-41306561-G-T.
Other names: c.84G>T, p.Glu28Asp (NM_053046.4); short protein forms E28D.
Identifiers: ClinVar variation 1763648 (VCV001763648.3), dbSNP rs1263768176, ClinGen allele CA405954531.